The following is an entry in ClinVar:

ClinVar aggregate classification (germline): Uncertain significance. Review status: criteria provided, multiple submitters, no conflicts (2 of 4 stars). 2 submissions from 2 submitters: Uncertain significance (2). Last evaluated 2025-02-02.

Conditions:
Fanconi anemia (FA). Also called: Fanconi's anemia. Identifiers: Orphanet 84, MedGen C0015625, MeSH D005199, MONDO:0019391.
Inborn genetic diseases. Identifiers: MedGen C0950123, MeSH D030342.

Submissions (2):

Ambry Genetics
Classification: Uncertain significance for Inborn genetic diseases. Last evaluated: 2025-02-02. Review status: criteria provided, single submitter. Criteria: Ambry Variant Classification Scheme 2023. Collection method: clinical testing. Allele origin: germline.
Comment: The p.R284K variant (also known as c.851G>A), located in coding exon 4 of the FANCM gene, results from a G to A substitution at nucleotide position 851. The arginine at codon 284 is replaced by lysine, an amino acid with highly similar properties. This amino acid position is conserved. In addition, this alteration is predicted to be tolerated by in silico analysis. Based on the available evidence, the clinical significance of this variant remains unclear.

Labcorp Genetics (formerly Invitae), Labcorp
Classification: Uncertain significance for Fanconi anemia. Last evaluated: 2020-02-14. Review status: criteria provided, single submitter. Criteria: Invitae Variant Classification Sherloc (09022015). Collection method: clinical testing. Allele origin: germline.
Comment: This sequence change replaces arginine with lysine at codon 284 of the FANCM protein (p.Arg284Lys). The arginine residue is highly conserved and there is a small physicochemical difference between arginine and lysine. This variant is not present in population databases (ExAC no frequency). This variant has not been reported in the literature in individuals with FANCM-related conditions. Algorithms developed to predict the effect of missense changes on protein structure and function are either unavailable or do not agree on the potential impact of this missense change (SIFT: "Deleterious"; PolyPhen-2: "Benign"; Align-GVGD: "Class C0"). In summary, the available evidence is currently insufficient to determine the role of this variant in disease. Therefore, it has been classified as a Variant of Uncertain Significance.

NM_020937.4(FANCM):c.851G>A (p.Arg284Lys)

Gene: FANCM (FA complementation group M; plus strand). Cytogenetic location: 14q21.2.
Variant type: single nucleotide variant.
Coding change: c.851G>A on transcript NM_020937.4 (MANE Select); coding-DNA position 851, G replaced by A.
Protein change: p.Arg284Lys; replaces arginine 284 with lysine.
Molecular consequence: missense variant.
Genome position (GRCh38, 1-based): chr14:45,148,928, G>A. VCF-style: chr14-45148928-G-A. GRCh37 (hg19) VCF-style: chr14-45618131-G-A.
Other names: c.773G>A, p.Arg258Lys (NM_001308133.2); c.851G>A, p.Arg284Lys (NM_001308134.2); c.851G>A (NM_020937.2); short protein forms R258K, R284K.
Identifiers: ClinVar variation 1010178 (VCV001010178.10), dbSNP rs1886623846, ClinGen allele CA389590019.